The following is an entry in ClinVar:

NM_022042.4(SLC26A1):c.534C>T (p.Ile178=)

Genes: IDUA (alpha-L-iduronidase; plus strand), SLC26A1 (solute carrier family 26 member 1; minus strand). Cytogenetic location: 4p16.3.
Variant type: single nucleotide variant.
Coding change: c.534C>T on transcript NM_022042.4 (MANE Select); coding-DNA position 534, C replaced by T.
Protein change: p.Ile178=; no amino-acid change (isoleucine 178 retained).
Molecular consequence: synonymous variant. On other transcripts: intron variant (1).
Genome position (GRCh38, 1-based): chr4:991,170, G>A on the plus strand (C>T on the coding strand, the complement: SLC26A1 is on the minus strand). VCF-style: chr4-991170-G-A. GRCh37 (hg19) VCF-style: chr4-984958-G-A.
Other names: p.Ile178=; c.534C>T (NM_022042.3); c.534C>T, p.Ile178= (NM_134425.4, NM_213613.4); c.299+3221G>A (NM_000203.5).
Identifiers: ClinVar variation 773185 (VCV000773185.36), dbSNP rs36095812, ClinGen allele CA2801642.
Genomic context (GRCh38, chr4:991,170, plus strand): 5'-CCAAGCAGGGCTCCTCACCTGGTAAAGCCCGGTCATCAGCGTGAGGGCGGTGGCGACACG[G>A]ATGGCGTAGCAGTCACGCCCGCAGTCCAGCATGGCAGCCGAGCCGTTGAGGGTGCTGCTG-3'
Protein context (NP_071325.2, residues 168-188): MLDCGRDCYA[Ile178=]RVATALTLMT

ClinVar aggregate classification (germline): Benign/Likely benign. Review status: criteria provided, multiple submitters, no conflicts (2 of 4 stars). 6 submissions from 6 submitters: Benign (3); Likely benign (2). 1 of the submissions does not count toward it. Last evaluated 2026-10-01.

Conditions:
SLC26A1-related disorder. Also called: SLC26A1-related condition.
Nephrolithiasis, calcium oxalate. Also called: Calcium oxalate urolithiasis. Identifiers: MedGen C1833683, MONDO:0957318, HP:0008672.

Allele frequency attached by ClinVar (database versions not stated): 1000 Genomes Project 30x 0.00234; 1000 Genomes Project 0.00240; gnomAD 0.00600 and 0.00611; gnomAD exomes 0.00607 and 0.00643; TOPMed 0.00620; ESP Exome Variant Server 0.00639; ExAC 0.00681.

Submissions (6):

CeGaT Center for Human Genetics Tuebingen
Classification: Likely benign. Last evaluated: 2026-10-01. Review status: criteria provided, single submitter. Criteria: CeGaT Center For Human Genetics Tuebingen Variant Classification Criteria Version 2. Collection method: clinical testing. Allele origin: germline. Affected: yes. Observed: 19 variant alleles.
Comment: SLC26A1: BP4, BP7, BS2

Labcorp Genetics (formerly Invitae), Labcorp
Classification: Benign. Last evaluated: 2026-01-22. Review status: criteria provided, single submitter. Criteria: Invitae Variant Classification Sherloc (09022015). Collection method: clinical testing. Allele origin: germline.

Mayo Clinic Laboratories, Mayo Clinic
Classification: Benign. Last evaluated: 2022-09-23. Review status: criteria provided, single submitter. Criteria: ACMG Guidelines, 2015. Collection method: clinical testing. Allele origin: germline. Observed: 4 variant alleles.
Comment: BS1, BS2, BP4, BP7

Fulgent Genetics
Classification: Likely benign for Nephrolithiasis susceptibility caused by SLC26A1. Last evaluated: 2022-01-13. Review status: criteria provided, single submitter. Criteria: ACMG Guidelines, 2015. Collection method: clinical testing. Allele origin: unknown.

Breakthrough Genomics
Classification: Benign. Review status: criteria provided, single submitter. Criteria: ACMG Guidelines, 2015. Collection method: not provided. Allele origin: germline. Inheritance: Autosomal recessive inheritance. Affected: yes.

PreventionGenetics, part of Exact Sciences
Classification: Benign for SLC26A1-related condition. Last evaluated: 2019-03-25. Review status: no assertion criteria provided. Collection method: clinical testing. Allele origin: germline. Not counted in ClinVar's aggregate classification.
Comment: This variant is classified as benign based on ACMG/AMP sequence variant interpretation guidelines (Richards et al. 2015 PMID: 25741868, with internal and published modifications).